The following is an entry in ClinVar:

NM_000486.6(AQP2):c.606+1G>A

Genes: AQP2 (aquaporin 2; plus strand), AQP5-AS1 (AQP5 and AQP2 antisense RNA 2; minus strand). Cytogenetic location: 12q13.12.
Variant type: single nucleotide variant.
Coding change: c.606+1G>A on transcript NM_000486.6 (MANE Select); the canonical splice donor site of the intron after coding-DNA position 606, G replaced by A.
Molecular consequence: splice donor variant.
Genome position (GRCh38, 1-based): chr12:49,954,711, G>A. VCF-style: chr12-49954711-G-A. GRCh37 (hg19) VCF-style: chr12-50348494-G-A.
Identifiers: ClinVar variation 2137365 (VCV002137365.4), dbSNP rs2060689253, ClinGen allele CA384774788.

ClinVar aggregate classification (germline): Pathogenic (1 of 4 stars; one submission).

Allele frequency attached by ClinVar (database versions not stated): gnomAD exomes below 0.00001.
gnomAD v4.1: 3 of 1,613,930 alleles (0.00019%); highest among the groups gnomAD compares: East Asian, 0.0022%; no homozygotes.

Submission:

Labcorp Genetics (formerly Invitae), Labcorp
Classification: Pathogenic. Last evaluated: 2022-05-21. Review status: criteria provided, single submitter. Criteria: Invitae Variant Classification Sherloc (09022015). Collection method: clinical testing. Allele origin: germline.
Comment: This variant disrupts a region of the AQP2 protein in which other variant(s) (p.Pro262Leu) have been determined to be pathogenic (PMID: 9550615, 15509592, 18431594, 22778181, 27641679). This suggests that this is a clinically significant region of the protein, and that variants that disrupt it are likely to be disease-causing. For these reasons, this variant has been classified as Pathogenic. Variants that disrupt the consensus splice site are a relatively common cause of aberrant splicing (PMID: 17576681, 9536098). Algorithms developed to predict the effect of sequence changes on RNA splicing suggest that this variant may disrupt the consensus splice site. Disruption of this splice site has been observed in individual(s) with autosomal recessive diabetes insipidus (PMID: 12191971). In at least one individual the data is consistent with being in trans (on the opposite chromosome) from a pathogenic variant. This variant is not present in population databases (gnomAD no frequency). This sequence change affects a donor splice site in intron 3 of the AQP2 gene. While this variant is not anticipated to result in nonsense mediated decay, it likely alters RNA splicing and results in a disrupted protein product.

Literature cited by the submitters: PubMed 9550615; PubMed 15509592; PubMed 18431594; PubMed 22778181; PubMed 27641679; PubMed 17576681; PubMed 9536098; PubMed 12191971.